The following is an entry in ClinVar:

NM_000501.4(ELN):c.1683ACTTGGAGTTGGTGCTGGTGTTCCTGG[1] (p.562LGVGAGVPG[1])

Genes: ELN-AS1 (ELN antisense RNA 1; minus strand), ELN (elastin; plus strand). Cytogenetic location: 7q11.23.
Variant type: Microsatellite.
Coding change: c.1683ACTTGGAGTTGGTGCTGGTGTTCCTGG[1] on transcript NM_000501.4 (MANE Select); one copy of the 27-base unit ACTTGGAGTTGGTGCTGGTGTTCCTGG starting at c.1683; the reference has two copies in a row; one copy, 27 bases deleted; also written c.1710_1736del.
Protein change: p.562LGVGAGVPG[1].
Molecular consequence: inframe deletion.
Genome position (GRCh38, 1-based): chr7:74,060,464-74,060,490, ACTTGGAGTTGGTGCTGGTGTTCCTGG deleted; deleting any 27 consecutive bases within chr7:74,060,432-74,060,490 gives the same sequence; the position shown is the placement nearest the transcript's 3' end. VCF-style (leftmost placement, unchanged base first): chr7-74060431-CCCTGGACTTGGAGTTGGTGCTGGTGTT-C. GRCh37 (hg19) VCF-style: chr7-73474761-CCCTGGACTTGGAGTTGGTGCTGGTGTT-C.
Other names: c.1710_1736delACTTGGAGTTGGTGCTGGTGTTCCTGG (NM_000501.2); c.1710_1736del (NM_000501.2); c.1596ACTTGGAGTTGGTGCTGGTGTTCCTGG[1], p.533LGVGAGVPG[1] (NM_001081752.3); c.1641ACTTGGAGTTGGTGCTGGTGTTCCTGG[1], p.548LGVGAGVPG[1] (NM_001081753.3); c.1698ACTTGGAGTTGGTGCTGGTGTTCCTGG[1], p.567LGVGAGVPG[1] (NM_001081754.3); c.1626ACTTGGAGTTGGTGCTGGTGTTCCTGG[1], p.543LGVGAGVPG[1] (NM_001081755.3); c.1683ACTTGGAGTTGGTGCTGGTGTTCCTGG[1], p.562LGVGAGVPG[1] (NM_001278912.2); c.1440ACTTGGAGTTGGTGCTGGTGTTCCTGG[1], p.481LGVGAGVPG[1] (NM_001278913.2); and 6 more.
Identifiers: ClinVar variation 1204214 (VCV001204214.9), dbSNP rs782739997, ClinGen allele CA4293157.

ClinVar aggregate classification (germline): Conflicting classifications of pathogenicity. Review status: criteria provided, conflicting classifications (1 of 4 stars). 2 submissions from 2 submitters: Uncertain significance (1); Likely benign (1). Last evaluated 2025-01-20.

Conditions:
Supravalvar aortic stenosis (SVAS). Also called: Supravalvar aortic stenosis, Eisenberg type. Identifiers: Orphanet 3193, MedGen C0003499, MONDO:0008504, OMIM 185500, HP:0004381.

Submissions (2):

Labcorp Genetics (formerly Invitae), Labcorp
Classification: Likely benign for Supravalvar aortic stenosis. Last evaluated: 2025-01-20. Review status: criteria provided, single submitter. Criteria: Invitae Variant Classification Sherloc (09022015). Collection method: clinical testing. Allele origin: germline.

GeneDx
Classification: Uncertain significance. Last evaluated: 2024-02-27. Review status: criteria provided, single submitter. Criteria: GeneDx Variant Classification Process June 2021. Collection method: clinical testing. Allele origin: germline. Affected: yes.
Comment: Has not been previously published as pathogenic or benign to our knowledge; In-frame deletion/insertion of 9 amino acids in a repetitive region with no known function; In silico analysis supports a deleterious effect on protein structure/function; This variant is associated with the following publications: (PMID: 27535533)